The following is an entry in ClinVar:

NM_177965.4(CFAP418):c.187_188insGGCCGGGCGCGGTGGCTCACGCCTGTAATCCCAGCACTTTGGGAGGGCGAGGCGGGCGGATCACGAGGTCAGGANNNNNNNNNNAAAAAAAAAAAAAAAAAAAAAAAAAAGAAGATGATC (p.Asp62_Leu63insArgProGlyAlaValAlaHisAlaCysAsnProSerThrLeuGlyGlyArgGlyGlyArgIleThrArgSerGlyXaaXaaXaaXaaLysLysLysLysLysLysLysLysGluAspAsp)

Gene: CFAP418 (cilia and flagella associated protein 418; minus strand). Cytogenetic location: 8q22.1.
Variant type: Insertion.
Coding change: c.187_188insGGCCGGGCGCGGTGGCTCACGCCTGTAATCCCAGCACTTTGGGAGGGCGAGGCGGGCGGATCACGAGGTCAGGANNNNNNNNNNAAAAAAAAAAAAAAAAAAAAAAAAAAGAAGATGATC on transcript NM_177965.4 (MANE Select); coding-DNA positions 187 to 188, GGCCGGGCGCGGTGGCTCACGCCTGTAATCCCAGCACTTTGGGAGGGCGAGGCGGGCGGATCACGAGGTCAGGANNNNNNNNNNAAAAAAAAAAAAAAAAAAAAAAAAAAGAAGATGATC inserted.
Protein change: p.Asp62_Leu63insArgProGlyAlaValAlaHisAlaCysAsnProSerThrLeuGlyGlyArgGlyGlyArgIleThrArgSerGlyXaaXaaXaaXaaLysLysLysLysLysLysLysLysGluAspAsp.
Molecular consequence: inframe insertion.
Genome position: GRCh38: chr8:95,263,758-95,263,759. GRCh37 (hg19): chr8:96,275,986-96,275,987.
Other names: c.187_188insGGCCGGGCGCGGTGGCTCACGCCTGTAATCCCAGCACTTTGGGAGGGCGAGGCGGGCGGATCACGAGGTCAGGANNNNNNNNNNAAAAAAAAAAAAAAAAAAAAAAAAAAGAAGATGATC, p.Asp62_Leu63insArgProGlyAlaValAlaHisAlaCysAsnProSerThrLeuGlyGlyArgGlyGlyArgIleThrArgSerGlyXaaXaaXaaXaaLysLysLysLysLysLysLysLysGluAspAsp (NM_001363260.1).
Identifiers: ClinVar variation 2089115 (VCV002089115.4), dbSNP rs2537149434.

ClinVar aggregate classification (germline): Pathogenic (1 of 4 stars; one submission).

Submission:

Labcorp Genetics (formerly Invitae), Labcorp
Classification: Pathogenic. Last evaluated: 2022-10-13. Review status: criteria provided, single submitter. Criteria: Invitae Variant Classification Sherloc (09022015). Collection method: clinical testing. Allele origin: germline.
Comment: This variant is not present in population databases (gnomAD no frequency). This sequence change inserts a large fragment of DNA, likely a transposable element, in exon 2 of the C8orf37 gene (c.187_188ins?), causing a frameshift at codon 62 (p.Asp62fs). The exact size and sequence of the insertion cannot be determined by the current assay. However, the insertion is expected to result in an absent or disrupted protein product. This variant has not been reported in the literature in individuals affected with C8orf37-related conditions. For these reasons, this variant has been classified as Pathogenic. Retrotransposon insertions including LINE1 (L1), Alu, and SVA (SINE-VNTR-Alu) have been reported to be disease-causing through disruption of either a coding region or splice site (PMID: 19763152, 20307669, 22406018) and loss-of-function variants in C8orf37 are known to be pathogenic (PMID: 22177090, 25802487, 26865426). Algorithms developed to predict the effect of sequence changes on RNA splicing suggest that this variant may create or strengthen a splice site.

Literature cited by the submitters: PubMed 19763152; PubMed 20307669; PubMed 22406018; PubMed 22177090; PubMed 25802487; PubMed 26865426.